The following is an entry in ClinVar:

NM_004991.4(MECOM):c.1706C>T (p.Pro569Leu)

Gene: MECOM (MDS1 and EVI1 complex locus; minus strand). Cytogenetic location: 3q26.2.
Variant type: single nucleotide variant.
Coding change: c.1706C>T on transcript NM_004991.4 (MANE Select); coding-DNA position 1706, C replaced by T.
Protein change: p.Pro569Leu; replaces proline 569 with leucine.
Molecular consequence: missense variant. On other transcripts: intron variant (2).
Genome position (GRCh38, 1-based): chr3:169,116,166, G>A on the plus strand (C>T on the coding strand, the complement: MECOM is on the minus strand). VCF-style: chr3-169116166-G-A. GRCh37 (hg19) VCF-style: chr3-168833954-G-A.
Other names: c.569-399C>T (NM_001366474.2); c.1706C>T (NM_004991.3); c.1337C>T, p.Pro446Leu (NM_001105077.4); c.1142C>T, p.Pro381Leu (NM_001105078.4, NM_001164000.2, NM_001205194.2 and 4 more transcripts); c.1145C>T, p.Pro382Leu (NM_001163999.2, NM_001366467.2, NM_001366468.2 and 1 more transcripts); c.1706C>T, p.Pro569Leu (NM_001366466.2); c.1133-399C>T (NM_001366473.2); short protein forms P382L, P381L, P446L, P569L.
Identifiers: ClinVar variation 2872062 (VCV002872062.4), dbSNP rs2549410059, ClinGen allele CA355061595.

ClinVar aggregate classification (germline): Uncertain significance. Review status: criteria provided, multiple submitters, no conflicts (2 of 4 stars). 2 submissions from 2 submitters: Uncertain significance (2). Last evaluated 2024-11-28.

Conditions:
Inborn genetic diseases. Identifiers: MedGen C0950123, MeSH D030342.

Submissions (2):

Ambry Genetics
Classification: Uncertain significance for Inborn genetic diseases. Last evaluated: 2024-11-28. Review status: criteria provided, single submitter. Criteria: Ambry Variant Classification Scheme 2023. Collection method: clinical testing. Allele origin: germline.
Comment: The p.P569L variant (also known as c.1706C>T), located in coding exon 8 of the MECOM gene, results from a C to T substitution at nucleotide position 1706. The proline at codon 569 is replaced by leucine, an amino acid with similar properties. This amino acid position is conserved. In addition, this alteration is predicted to be tolerated by in silico analysis. Based on the available evidence, the clinical significance of this variant remains unclear.

Labcorp Genetics (formerly Invitae), Labcorp
Classification: Uncertain significance. Last evaluated: 2023-09-14. Review status: criteria provided, single submitter. Criteria: Invitae Variant Classification Sherloc (09022015). Collection method: clinical testing. Allele origin: germline.
Comment: In summary, the available evidence is currently insufficient to determine the role of this variant in disease. Therefore, it has been classified as a Variant of Uncertain Significance. An algorithm developed to predict the effect of missense changes on protein structure and function (PolyPhen-2) suggests that this variant is likely to be disruptive. This variant has not been reported in the literature in individuals affected with MECOM-related conditions. This variant is not present in population databases (gnomAD no frequency). This sequence change replaces proline, which is neutral and non-polar, with leucine, which is neutral and non-polar, at codon 381 of the MECOM protein (p.Pro381Leu).